The following is an entry in ClinVar:

NM_016604.4(KDM3B):c.4834G>C (p.Ala1612Pro)

Gene: KDM3B (lysine demethylase 3B; plus strand). Cytogenetic location: 5q31.2.
Variant type: single nucleotide variant.
Coding change: c.4834G>C on transcript NM_016604.4 (MANE Select); coding-DNA position 4834, G replaced by C.
Protein change: p.Ala1612Pro; replaces alanine 1612 with proline.
Molecular consequence: missense variant.
Genome position (GRCh38, 1-based): chr5:138,429,906, G>C. VCF-style: chr5-138429906-G-C. GRCh37 (hg19) VCF-style: chr5-137765595-G-C.
Other names: short protein forms A1612P.
Identifiers: ClinVar variation 4527322 (VCV004527322.1).

ClinVar aggregate classification (germline): Uncertain significance (1 of 4 stars; one submission).

Submission:

GeneDx
Classification: Uncertain significance. Last evaluated: 2025-04-23. Review status: criteria provided, single submitter. Criteria: GeneDx Variant Classification Process June 2021. Collection method: clinical testing. Allele origin: germline. Affected: yes.
Comment: In silico analysis supports that this missense variant has a deleterious effect on protein structure/function; Has not been previously published as pathogenic or benign to our knowledge